The following is an entry in ClinVar:

ClinVar aggregate classification (germline): Uncertain significance (1 of 4 stars; one submission).

gnomAD v4.1: 28 of 1,610,892 alleles (0.0017%); highest among the groups gnomAD compares: South Asian, 0.03%; no homozygotes.

Submission:

Labcorp Genetics (formerly Invitae), Labcorp
Classification: Uncertain significance. Last evaluated: 2025-03-16. Review status: criteria provided, single submitter. Criteria: Invitae Variant Classification Sherloc (09022015). Collection method: clinical testing. Allele origin: germline.
Comment: This sequence change replaces glutamic acid, which is acidic and polar, with glycine, which is neutral and non-polar, at codon 502 of the TBX4 protein (p.Glu502Gly). This variant is present in population databases (rs537917982, gnomAD 0.02%). This variant has not been reported in the literature in individuals affected with TBX4-related conditions. Invitae Evidence Modeling of protein sequence and biophysical properties (such as structural, functional, and spatial information, amino acid conservation, physicochemical variation, residue mobility, and thermodynamic stability) indicates that this missense variant is not expected to disrupt TBX4 protein function with a negative predictive value of 95%. Algorithms developed to predict the effect of sequence changes on RNA splicing suggest that this variant may create or strengthen a splice site. In summary, the available evidence is currently insufficient to determine the role of this variant in disease. Therefore, it has been classified as a Variant of Uncertain Significance.

NM_001321120.2(TBX4):c.1508A>G (p.Glu503Gly)

Gene: TBX4 (T-box transcription factor 4; plus strand). Cytogenetic location: 17q23.2.
Variant type: single nucleotide variant.
Coding change: c.1508A>G on transcript NM_001321120.2 (MANE Select); coding-DNA position 1508, A replaced by G.
Protein change: p.Glu503Gly; replaces glutamic acid 503 with glycine.
Molecular consequence: missense variant.
Genome position (GRCh38, 1-based): chr17:61,483,383, A>G. VCF-style: chr17-61483383-A-G. GRCh37 (hg19) VCF-style: chr17-59560744-A-G.
Other names: c.1505A>G, p.Glu502Gly (NM_018488.3); short protein forms E503G, E502G.
Identifiers: ClinVar variation 3700048 (VCV003700048.2).